The following is an entry in ClinVar:

ClinVar aggregate classification (germline): Uncertain significance. Review status: criteria provided, multiple submitters, no conflicts (2 of 4 stars). 3 submissions from 3 submitters: Uncertain significance (3). Last evaluated 2025-06-30.

Conditions:
IL2RB-related disorder. Also called: IL2RB-related condition.

Allele frequency attached by ClinVar (database versions not stated): ExAC 0.00002; gnomAD 0.00004 and 0.00005; gnomAD exomes 0.00004 and 0.00006; TOPMed 0.00005.
gnomAD v4.1: 61 of 1,614,040 alleles (0.0038%); highest among the groups gnomAD compares: Admixed American, 0.045%; no homozygotes.

Submissions (3):

Ambry Genetics
Classification: Uncertain significance. Last evaluated: 2025-06-30. Review status: criteria provided, single submitter. Criteria: Ambry Variant Classification Scheme 2023. Collection method: clinical testing. Allele origin: germline.

Labcorp Genetics (formerly Invitae), Labcorp
Classification: Uncertain significance. Last evaluated: 2024-10-17. Review status: criteria provided, single submitter. Criteria: Invitae Variant Classification Sherloc (09022015). Collection method: clinical testing. Allele origin: germline.
Comment: This sequence change replaces threonine, which is neutral and polar, with methionine, which is neutral and non-polar, at codon 171 of the IL2RB protein (p.Thr171Met). This variant is present in population databases (rs750566804, gnomAD 0.03%). This variant has not been reported in the literature in individuals affected with IL2RB-related conditions. ClinVar contains an entry for this variant (Variation ID: 1008447). An algorithm developed to predict the effect of missense changes on protein structure and function outputs the following: PolyPhen-2: "Benign". The methionine amino acid residue is found in multiple mammalian species, which suggests that this missense change does not adversely affect protein function. In summary, the available evidence is currently insufficient to determine the role of this variant in disease. Therefore, it has been classified as a Variant of Uncertain Significance.

PreventionGenetics, part of Exact Sciences
Classification: Uncertain significance for IL2RB-related condition. Last evaluated: 2022-12-01. Review status: criteria provided, single submitter. Criteria: ACMG Guidelines, 2015. Collection method: clinical testing. Allele origin: germline.
Comment: The IL2RB c.512C>T variant is predicted to result in the amino acid substitution p.Thr171Met. To our knowledge, this variant has not been reported in the literature. This variant is reported in 0.035% of alleles in individuals of Latino descent in gnomAD. At this time, the clinical significance of this variant is uncertain due to the absence of conclusive functional and genetic evidence.

NM_000878.5(IL2RB):c.512C>T (p.Thr171Met)

Gene: IL2RB (interleukin 2 receptor subunit beta; minus strand). Cytogenetic location: 22q12.3.
Variant type: single nucleotide variant.
Coding change: c.512C>T on transcript NM_000878.5 (MANE Select); coding-DNA position 512, C replaced by T.
Protein change: p.Thr171Met; replaces threonine 171 with methionine.
Molecular consequence: missense variant.
Genome position (GRCh38, 1-based): chr22:37,137,612, G>A on the plus strand (C>T on the coding strand, the complement: IL2RB is on the minus strand). VCF-style: chr22-37137612-G-A. GRCh37 (hg19) VCF-style: chr22-37533652-G-A.
Other names: c.512C>T, p.Thr171Met (NM_001346222.1, NM_001346223.2); c.512C>T (NM_000878.4, NM_000878.2); short protein forms T171M.
Identifiers: ClinVar variation 1008447 (VCV001008447.8), dbSNP rs750566804, ClinGen allele CA10216609.